The following continues an entry in ClinVar:

NM_000059.4(BRCA2):c.3744_3747del (p.Ser1248fs)

Gene: BRCA2. ClinVar aggregate classification (germline): Pathogenic. Pathogenic (1).

Submissions 9 to 24 of 24:

Women's Health and Genetics/Laboratory Corporation of America, LabCorp
Classification: Pathogenic for Hereditary breast ovarian cancer syndrome. Last evaluated: 2022-07-28. Review status: criteria provided, single submitter. Criteria: LabCorp Variant Classification Summary - May 2015. Collection method: clinical testing. Allele origin: germline. Not counted in ClinVar's aggregate classification.
Comment: Variant summary: BRCA2 c.3744_3747delTGAG (p.Ser1248ArgfsX10) results in a premature termination codon, predicted to cause a truncation of the encoded protein or absence of the protein due to nonsense mediated decay, which are commonly known mechanisms for disease. Truncations downstream of this position have been classified as pathogenic by our laboratory. The variant allele was found at a frequency of 4.1e-06 in 246600 control chromosomes (gnomAD). c.3744_3747delTGAG has been reported in the literature in multiple individuals affected with Hereditary Breast And/or Ovarian Cancer (examples: Kang_2015, Minucci_2015 and Song_2017). These data indicate that the variant is very likely to be associated with disease. Thirteen submitters including an expert panel (ENIGMA) have submitted clinical-significance assessments for this variant to ClinVar after 2014 and all classified the variant as pathogenic. Based on the evidence outlined above, the variant was classified as pathogenic.

CeGaT Center for Human Genetics Tuebingen
Classification: Pathogenic. Last evaluated: 2022-03-01. Review status: criteria provided, single submitter. Criteria: CeGaT Center For Human Genetics Tuebingen Variant Classification Criteria Version 2. Collection method: clinical testing. Allele origin: germline. Affected: yes. Observed: 1 variant allele. Not counted in ClinVar's aggregate classification.
Comment: BRCA2: PVS1, PM2, PS4:Moderate

MGZ Medical Genetics Center
Classification: Pathogenic for Breast-ovarian cancer, familial, susceptibility to, 2. Last evaluated: 2021-11-12. Review status: criteria provided, single submitter. Criteria: ACMG Guidelines, 2015. Collection method: clinical testing. Allele origin: germline. Affected: yes. Observed: 1 variant allele. Not counted in ClinVar's aggregate classification.
Comment: ACMG criteria applied: PVS1, PS4, PM2_SUP, PP4

Fulgent Genetics
Classification: Pathogenic for Familial cancer of breast; Medulloblastoma; Familial prostate cancer; Wilms tumor 1; Fanconi anemia complementation group D1; Breast-ovarian cancer, familial, susceptibility to, 2; Glioma susceptibility 3; Pancreatic cancer, susceptibility to, 2. Last evaluated: 2021-10-20. Review status: criteria provided, single submitter. Criteria: ACMG Guidelines, 2015. Collection method: clinical testing. Allele origin: unknown. Not counted in ClinVar's aggregate classification.

Quest Diagnostics Nichols Institute San Juan Capistrano
Classification: Pathogenic. Last evaluated: 2020-11-12. Review status: criteria provided, single submitter. Criteria: Quest Diagnostics criteria. Collection method: clinical testing. Allele origin: unknown. Not counted in ClinVar's aggregate classification.
Comment: This variant has been reported in individuals affected with breast cancer, prostate cancer, and ovarian cancer in the published literature (PMID: 28724667 (2017), 28205045 (2017), 28049253 (2017), 26306726 (2015), 26187060 (2015), 25863477 (2015), 22798144 (2012)). Based on the available information, this variant is classified as pathogenic.

GeneDx
Classification: Pathogenic. Last evaluated: 2020-06-30. Review status: criteria provided, single submitter. Criteria: GeneDx Variant Classification Process June 2021. Collection method: clinical testing. Allele origin: germline. Affected: yes. Not counted in ClinVar's aggregate classification.
Comment: Frameshift variant predicted to result in protein truncation or nonsense mediated decay in a gene for which loss-of-function is a known mechanism of disease; Observed in several individuals with personal and family history of Hereditary Breast and Ovarian Cancer syndrome and is a recurrent variant in the Korean population (Kang 2002, Meindl 2002, Kim 2012, Minucci 2015, Kwong 2016, Song 2017); Truncating variants in this gene are considered pathogenic by a well-established clinical consortium and/or database; Not observed in large population cohorts (Lek 2016); Also known as 3972_3975delTGAG and 3972del4; This variant is associated with the following publications: (PMID: 25007954, 28724667, 26295337, 11802209, 19499246, 19656164, 12204006, 17100994, 16455195, 18489799, 17851763, 22798144, 22217648, 22382806, 24155753, 26187060, 28049253, 26709275, 26306726, 28392550, 28205045, 29673794, 28111427, 30720243, 30702160, 28726808, 31214711)

Department of Molecular Diagnostics, Institute of Oncology Ljubljana
Classification: Pathogenic for Breast-ovarian cancer, familial, susceptibility to, 1. Last evaluated: 2020-04-02. Review status: criteria provided, single submitter. Criteria: ACMG Guidelines, 2015. Collection method: clinical testing. Allele origin: germline. Affected: yes. Not counted in ClinVar's aggregate classification.

Division of Medical Genetics, University of Washington
Classification: Pathogenic for Breast-ovarian cancer, familial, susceptibility to, 2. Last evaluated: 2020-03-07. Review status: criteria provided, single submitter. Criteria: ACMG Guidelines, 2015. Collection method: clinical testing. Allele origin: germline. Affected: no. Study: CSER_CHARM. Not counted in ClinVar's aggregate classification.
Comment: This variant leads to a translational frameshift and the introduction of a premature termination codon at position 10 of the new reading frame. The variant transcript is predicted to be unstable and degraded by nonsense-mediated decay. Loss of expression of one allele of BRCA2 is a well-established mechanism of disease for Hereditary Breast and Ovarian cancer (Borg 2010). This variant has been reported in the literature in multiple individuals and families with breast and/or ovarian cancer (Meindl 2001, Ahn 2007, Machackova 2008, Seong 2009, Kwong 2016). This variant has an allele frequency of 0.000004 in the Broad Institute gnomAD Browser. Thus, this variant is interpreted as pathogenic. PS4-moderate; PVS1

ARUP Laboratories, Molecular Genetics and Genomics, ARUP Laboratories
Classification: Pathogenic. Last evaluated: 2019-02-14. Review status: criteria provided, single submitter. Criteria: ARUP Molecular Germline Variant Investigation Process. Collection method: clinical testing. Allele origin: germline. Not counted in ClinVar's aggregate classification.
Comment: The BRCA2 c.3744_3747delTGAG; p.Ser1248fs variant (rs80359403) is reported in the literature in numerous individuals with a personal or family history of breast and/or ovarian cancer (Machackova 2008, Meindl 2002, Park 2016, Park 2017, Seong 2009). This variant is found on a single chromosome in the Genome Aggregation Database, indicating it is not a common polymorphism, and it is reported as pathogenic by numerous laboratories in ClinVar (Variation ID: 37856). This variant causes a frameshift by deleting four nucleotides, so it is predicted to result in a truncated protein or mRNA subject to nonsense-mediated decay. Based on available information, this variant is considered to be pathogenic. References: Machackova E et al. Spectrum and characterisation of BRCA1 and BRCA2 deleterious mutations in high-risk Czech patients with breast and/or ovarian cancer. BMC Cancer. 2008 May 20;8:140. Meindl A et al. Comprehensive analysis of 989 patients with breast or ovarian cancer provides BRCA1 and BRCA2 mutation profiles and frequencies for the German population. Int J Cancer. 2002 Feb 1;97(4):472-80. Park B et al. Characteristics of BRCA1/2 mutations carriers including large genomic rearrangements in high risk breast cancer patients. Breast Cancer Res Treat. 2017 May;163(1):139-150. Park J et al. Comparison of Targeted Next-Generation and Sanger Sequencing for the BRCA1 and BRCA2 Mutation Screening. Ann Lab Med. 2016 Mar;36(2):197-201. Seong MW et al. Comprehensive mutational analysis of BRCA1/BRCA2 for Korean breast cancer patients: evidence of a founder mutation. Clin Genet. 2009 Aug;76(2):152-60.

Mendelics
Classification: Pathogenic for Hereditary breast and ovarian cancer syndrome. Last evaluated: 2018-07-02. Review status: criteria provided, single submitter. Criteria: Mendelics Assertion Criteria 2017. Collection method: clinical testing. Allele origin: unknown. Not counted in ClinVar's aggregate classification.

Clinical Genetics and Genomics, Karolinska University Hospital
Classification: Pathogenic. Last evaluated: 2018-04-03. Review status: criteria provided, single submitter. Criteria: ACMG Guidelines, 2015. Collection method: clinical testing. Allele origin: germline. Affected: yes. Observed: 2 variant alleles. Not counted in ClinVar's aggregate classification.

Consortium of Investigators of Modifiers of BRCA1/2 (CIMBA), c/o University of Cambridge
Classification: Pathogenic for Breast-ovarian cancer, familial, susceptibility to, 2. Last evaluated: 2015-10-02. Review status: criteria provided, single submitter. Criteria: CIMBA Mutation Classification guidelines May 2016. Collection method: clinical testing. Allele origin: germline. Not counted in ClinVar's aggregate classification.

BRCAlab, Lund University
Classification: Pathogenic for Breast-ovarian cancer, familial, susceptibility to, 2. Last evaluated: 2022-08-26. Review status: no assertion criteria provided. Collection method: clinical testing. Allele origin: germline. Affected: yes. Not counted in ClinVar's aggregate classification.

Research Molecular Genetics Laboratory, Women's College Hospital, University of Toronto
Classification: Pathogenic for Hereditary breast ovarian cancer syndrome. Last evaluated: 2014-01-31. Review status: no assertion criteria provided. Collection method: research. Allele origin: germline. Affected: yes. Study: The Canadian Open Genetics Repository (COGR). Not counted in ClinVar's aggregate classification.

Sharing Clinical Reports Project (SCRP)
Classification: Pathogenic for Breast-ovarian cancer, familial 2. Last evaluated: 2010-02-26. Review status: no assertion criteria provided. Collection method: clinical testing. Allele origin: germline. Not counted in ClinVar's aggregate classification.

Breast Cancer Information Core (BIC) (BRCA2)
Classification: Pathogenic for Breast-ovarian cancer, familial 2. Last evaluated: 2002-05-29. Review status: no assertion criteria provided. Collection method: clinical testing. Allele origin: germline. Affected: yes. Observed: 8 variant alleles. Not counted in ClinVar's aggregate classification.

Literature cited by the submitters: PubMed 20104584 (cited by Labcorp Genetics (formerly Invitae), Labcorp and GeneKor MSA); PubMed 11802209 (cited by Labcorp Genetics (formerly Invitae), Labcorp and GeneKor MSA); PubMed 16455195 (cited by 4 submitters); PubMed 18489799 (cited by 3 submitters); PubMed 19656164 (cited by 4 submitters); PubMed 26187060 (cited by 5 submitters); PubMed 22798144 (cited by 3 submitters); PubMed 25863477 (cited by 5 submitters); PubMed 26306726 (cited by 3 submitters); PubMed 28049253 (cited by 4 submitters); PubMed 28205045 (cited by 5 submitters); PubMed 28724667 (cited by GeneKor MSA and Quest Diagnostics Nichols Institute San Juan Capistrano); PubMed 15024741 (cited by 3 submitters); PubMed 17851763 (cited by Ambry Genetics and Quest Diagnostics Nichols Institute San Juan Capistrano); PubMed 22217648 (cited by 3 submitters); PubMed 31336956 (cited by Ambry Genetics); PubMed 34645131 (cited by Ambry Genetics); PubMed 34063308 (cited by All of Us Research Program, National Institutes of Health and Color Diagnostics, LLC DBA Color Health); PubMed 25007954 (cited by Women's Health and Genetics/Laboratory Corporation of America, LabCorp); PubMed 26709275 (cited by Women's Health and Genetics/Laboratory Corporation of America, LabCorp); PubMed 30720243 (cited by Quest Diagnostics Nichols Institute San Juan Capistrano); PubMed 26295337 (cited by Quest Diagnostics Nichols Institute San Juan Capistrano).